The following is an entry in ClinVar:

NM_001355436.2(SPTB):c.2479C>T (p.Arg827Trp)

Gene: SPTB (spectrin beta, erythrocytic; minus strand). Cytogenetic location: 14q23.3.
Variant type: single nucleotide variant.
Coding change: c.2479C>T on transcript NM_001355436.2 (MANE Select); coding-DNA position 2479, C replaced by T.
Protein change: p.Arg827Trp; replaces arginine 827 with tryptophan.
Molecular consequence: missense variant.
Genome position (GRCh38, 1-based): chr14:64,793,184, G>A on the plus strand (C>T on the coding strand, the complement: SPTB is on the minus strand). VCF-style: chr14-64793184-G-A. GRCh37 (hg19) VCF-style: chr14-65259902-G-A.
Other names: NM_000347.5:c.2479C>T; p.Arg827Trp; c.2479C>T, p.Arg827Trp (NM_001024858.4, NM_001355437.2); short protein forms R827W.
Identifiers: ClinVar variation 2402058 (VCV002402058.11), dbSNP rs201451634, ClinGen allele CA7230859.

ClinVar aggregate classification (germline): Uncertain significance. Review status: criteria provided, multiple submitters, no conflicts (2 of 4 stars). 6 submissions from 6 submitters: Uncertain significance (6). Last evaluated 2025-12-29.

Conditions:
Inborn genetic diseases. Identifiers: MedGen C0950123, MeSH D030342.

Allele frequency attached by ClinVar (database versions not stated): ExAC 0.00007; gnomAD 0.00012; TOPMed 0.00019.
gnomAD v4.1: 134 of 1,613,262 alleles (0.0083%); highest among the groups gnomAD compares: Admixed American, 0.035%; no homozygotes.

Submissions (6):

Labcorp Genetics (formerly Invitae), Labcorp
Classification: Uncertain significance. Last evaluated: 2025-12-29. Review status: criteria provided, single submitter. Criteria: Invitae Variant Classification Sherloc (09022015). Collection method: clinical testing. Allele origin: germline.
Comment: This sequence change replaces arginine, which is basic and polar, with tryptophan, which is neutral and slightly polar, at codon 827 of the SPTB protein (p.Arg827Trp). This variant is present in population databases (rs201451634, gnomAD 0.03%). This variant has not been reported in the literature in individuals affected with SPTB-related conditions. ClinVar contains an entry for this variant (Variation ID: 2402058). An algorithm developed to predict the effect of missense changes on protein structure and function (PolyPhen-2) suggests that this variant is likely to be tolerated. In summary, the available evidence is currently insufficient to determine the role of this variant in disease. Therefore, it has been classified as a Variant of Uncertain Significance.

Mayo Clinic Laboratories, Mayo Clinic
Classification: Uncertain significance. Last evaluated: 2025-05-12. Review status: criteria provided, single submitter. Criteria: ACMG Guidelines, 2015. Collection method: clinical testing. Allele origin: germline. Observed: 6 variant alleles.
Comment: BP4_moderate

Ambry Genetics
Classification: Uncertain significance for Inborn genetic diseases. Last evaluated: 2024-10-25. Review status: criteria provided, single submitter. Criteria: Ambry Variant Classification Scheme 2023. Collection method: clinical testing. Allele origin: germline.

ARUP Laboratories, Molecular Genetics and Genomics, ARUP Laboratories
Classification: Uncertain significance. Last evaluated: 2024-07-17. Review status: criteria provided, single submitter. Criteria: ARUP Molecular Germline Variant Investigation Process 2024. Collection method: clinical testing. Allele origin: germline.
Comment: The SPTB c.2479C>T; p.Arg827Trp variant (rs201451634), to our knowledge, is not reported in the medical literature but is reported in ClinVar (Variation ID: 2402058). This variant is found in the general population with an overall allele frequency of 0.009% (27/281,832 alleles) in the Genome Aggregation Database (v2.1.1). Computational analyses predict that this variant is neutral (REVEL: 0.096). Due to limited information, the clinical significance of this variant is uncertain at this time.

Blueprint Genetics
Classification: Uncertain significance. Last evaluated: 2024-05-06. Review status: criteria provided, single submitter. Criteria: ACMG Guidelines, 2015. Collection method: clinical testing. Allele origin: germline.

Revvity Omics, Revvity
Classification: Uncertain significance. Last evaluated: 2023-04-22. Review status: criteria provided, single submitter. Criteria: ACMG Guidelines, 2015. Collection method: clinical testing. Allele origin: germline.